The following is an entry in ClinVar:

NM_001267550.2(TTN):c.47576_47577delGA

Genes: TTN (titin; minus strand), TTN-AS1 (TTN antisense RNA 1; plus strand). Cytogenetic location: 2q31.2.
Variant type: Microsatellite.
Coding change: c.47576_47577delGA on transcript NM_001267550.2 (MANE Select); coding-DNA positions 47576 to 47577, 2 bases deleted (GA).
Molecular consequence: splice acceptor variant.
Genome position (GRCh38, 1-based): chr2:178,617,508-178,617,509, TC deleted on the plus strand (GA on the coding strand, the reverse complement: TTN is on the minus strand); deleting any 2 consecutive bases within chr2:178,617,508-178,617,514 gives the same sequence; the c. name uses the placement nearest the transcript's 3' end. VCF-style (leftmost placement, unchanged base first): chr2-178617507-GTC-G. GRCh37 (hg19) VCF-style: chr2-179482234-GTC-G.
Identifiers: ClinVar variation 404908 (VCV000404908.12), dbSNP rs1060500489, ClinGen allele CA16610441.
Genomic context (GRCh38, chr2:178,617,507, plus strand): 5'-ATTTGAGCTGAACTGATGACTGAGTCTGATCTGAGGAAGTTAGGTTTACAGGAGGACTTG[GTC>G]TCTCTGGAATAAAAGAAGGAGTTGGAGCATACCATTTACGTTAGTGACAATTTATGAAAA-3'

ClinVar aggregate classification (germline): Likely pathogenic. Review status: criteria provided, single submitter (1 of 4 stars). 2 submissions from 1 submitter: Likely pathogenic (2). Last evaluated 2016-08-16.

Conditions:
Dilated cardiomyopathy 1G (CMD1G). Identifiers: Orphanet 154, MedGen C1858763, MONDO:0011400, OMIM 604145.
Autosomal recessive limb-girdle muscular dystrophy type 2J (LGMDR10). Also called: Limb-girdle muscular dystrophy, type 2J; MUSCULAR DYSTROPHY, LIMB-GIRDLE, AUTOSOMAL RECESSIVE 10. Identifiers: Orphanet 140922, MedGen C1837342, MONDO:0012127, OMIM 608807.

Submissions (2):

Labcorp Genetics (formerly Invitae), Labcorp
Classification: Likely pathogenic for Dilated cardiomyopathy 1G. Last evaluated: 2016-08-16. Review status: criteria provided, single submitter. Criteria: Invitae Variant Classification Sherloc (09022015). Collection method: clinical testing. Allele origin: germline.
Comment: This sequence change deletes 2 nucleotides from exon 254 of the TTN mRNA (c.47576_47577delGA), causing a frameshift at codon 15859. This creates a premature translational stop signal (p.Arg15859Thrfs*38) and is expected to result in an absent or disrupted protein product. This variant is found in the A-band of this gene. While this particular variant has not been reported in the literature, truncating variants in the A-band of TTN are significantly overrepresented in patients with dilated cardiomyopathy and are considered to be likely pathogenic for the disease (PMID: 25589632). For these reasons, this variant has been classified as Likely Pathogenic.

Labcorp Genetics (formerly Invitae), Labcorp
Classification: Likely pathogenic for Dilated cardiomyopathy 1G; Autosomal recessive limb-girdle muscular dystrophy type 2J. Last evaluated: 2016-08-16. Review status: criteria provided, single submitter. Criteria: Invitae Variant Classification Sherloc (09022015). Collection method: clinical testing. Allele origin: germline.
Comment: For these reasons, this variant has been classified as Likely Pathogenic. This variant is found in the A-band of this gene. While this particular variant has not been reported in the literature, truncating variants in the A-band of TTN are significantly overrepresented in patients with dilated cardiomyopathy and are considered to be likely pathogenic for the disease (PMID: 25589632). This sequence change deletes 2 nucleotides from exon 254 of the TTN mRNA (c.47576_47577delGA), causing a frameshift at codon 15859. This creates a premature translational stop signal (p.Arg15859Thrfs*38) and is expected to result in an absent or disrupted protein product.

Literature cited by the submitters: PubMed 25589632.